The following is an entry in ClinVar:

ClinVar aggregate classification (germline): Uncertain significance. Review status: criteria provided, multiple submitters, no conflicts (2 of 4 stars). 2 submissions from 2 submitters: Uncertain significance (2). Last evaluated 2025-03-27.

gnomAD v4.1: 4 of 1,613,970 alleles (0.00025%); highest among the groups gnomAD compares: Admixed American, 0.0033%; no homozygotes.

Submissions (2):

Labcorp Genetics (formerly Invitae), Labcorp
Classification: Uncertain significance. Last evaluated: 2025-03-27. Review status: criteria provided, single submitter. Criteria: Invitae Variant Classification Sherloc (09022015). Collection method: clinical testing. Allele origin: germline.
Comment: This sequence change replaces serine, which is neutral and polar, with glycine, which is neutral and non-polar, at codon 447 of the GHR protein (p.Ser447Gly). This variant is present in population databases (rs759752784, gnomAD 0.006%). This variant has not been reported in the literature in individuals affected with GHR-related conditions. Invitae Evidence Modeling of protein sequence and biophysical properties (such as structural, functional, and spatial information, amino acid conservation, physicochemical variation, residue mobility, and thermodynamic stability) indicates that this missense variant is not expected to disrupt GHR protein function with a negative predictive value of 95%. In summary, the available evidence is currently insufficient to determine the role of this variant in disease. Therefore, it has been classified as a Variant of Uncertain Significance.

Blueprint Genetics
Classification: Uncertain significance. Last evaluated: 2021-04-19. Review status: criteria provided, single submitter. Criteria: ACMG Guidelines, 2015. Collection method: clinical testing. Allele origin: germline.

NM_000163.5(GHR):c.1339A>G (p.Ser447Gly)

Gene: GHR (growth hormone receptor; plus strand). Cytogenetic location: 5p12.
Variant type: single nucleotide variant.
Coding change: c.1339A>G on transcript NM_000163.5 (MANE Select); coding-DNA position 1339, A replaced by G.
Protein change: p.Ser447Gly; replaces serine 447 with glycine.
Molecular consequence: missense variant. On other transcripts: 3 prime UTR variant (1).
Genome position (GRCh38, 1-based): chr5:42,718,846, A>G. VCF-style: chr5-42718846-A-G. GRCh37 (hg19) VCF-style: chr5-42718948-A-G.
Other names: c.1360A>G, p.Ser454Gly (NM_001242399.2); c.1339A>G, p.Ser447Gly (NM_001242400.2, NM_001242401.4, NM_001242402.2 and 4 more transcripts); c.1273A>G, p.Ser425Gly (NM_001242460.2); c.*381A>G (NM_001242462.1); short protein forms S425G, S447G, S454G.
Identifiers: ClinVar variation 4772547 (VCV004772547.2).
Genomic context (GRCh38, chr5:42,718,846, plus strand): 5'-GACCAGAAGAATCAAAATAACTCACCTTATCATGATGCTTGCCCTGCTACTCAGCAGCCC[A>G]GTGTTATCCAAGCAGAGAAAAACAAACCACAACCACTTCCTACTGAAGGAGCTGAGTCAA-3'
Protein context (NP_000154.1, residues 437-457): HDACPATQQP[Ser447Gly]VIQAEKNKPQ